The following is an entry in ClinVar:

NM_001370100.5(ZMYND11):c.251G>A (p.Gly84Glu)

Gene: ZMYND11 (zinc finger MYND-type containing 11; plus strand). Cytogenetic location: 10p15.3.
Variant type: single nucleotide variant.
Coding change: c.251G>A on transcript NM_001370100.5 (MANE Select); coding-DNA position 251, G replaced by A.
Protein change: p.Gly84Glu; replaces glycine 84 with glutamic acid.
Molecular consequence: missense variant. On other transcripts: non-coding transcript variant (1), intron variant (1).
Genome position (GRCh38, 1-based): chr10:210,023, G>A. VCF-style: chr10-210023-G-A. GRCh37 (hg19) VCF-style: chr10-255963-G-A.
Other names: c.251G>A, p.Gly84Glu (NM_001202464.3, NM_001202465.3, NM_001202466.3 and 24 more transcripts); c.200G>A, p.Gly67Glu (NM_001330057.3, NM_001370112.2, NM_001370123.2); c.185G>A, p.Gly62Glu (NM_001370116.2, NM_001370120.2); c.131G>A, p.Gly44Glu (NM_001370118.2, NM_001370121.2); c.-33-26815G>A (NM_001370124.3); short protein forms G44E, G62E, G67E, G84E.
Identifiers: ClinVar variation 4278593 (VCV004278593.1).
Genomic context (GRCh38, chr10:210,023, plus strand): 5'-TTATTGTCGAAACTCTAACAGTGGGCTGCAAAGGTTCAAAAGCTGGTATTGAACAAGAAG[G>A]ATATTGGTTGCCAGGAGATGAGATTGTAAGTACATTTTATTTGATAAACATAGAGATGTG-3'
Protein context (NP_001357029.1, residues 74-94): KGSKAGIEQE[Gly84Glu]YWLPGDEIDW

ClinVar aggregate classification (germline): Likely pathogenic (1 of 4 stars; one submission).

Submission:

GeneDx
Classification: Likely pathogenic. Last evaluated: 2025-04-03. Review status: criteria provided, single submitter. Criteria: GeneDx Variant Classification Process June 2021. Collection method: clinical testing. Allele origin: germline. Affected: yes.
Comment: Not observed at significant frequency in large population cohorts (gnomAD); In silico analysis supports that this missense variant has a deleterious effect on protein structure/function; Has not been previously published as pathogenic or benign to our knowledge